The following is an entry in ClinVar:

ClinVar aggregate classification (germline): Benign (1 of 4 stars; one submission).

Conditions:
Pseudohypoparathyroidism type 1B (PHP1B). Also called: PHP IB; Pseudohypoparathyroidism Ib (PHP-Ib); Pseudohypoparathyroidism Type IB. Identifiers: Orphanet 94089, MedGen C1864100, MONDO:0011301, OMIM 603233.

Allele frequency attached by ClinVar (database versions not stated): gnomAD 0.00170 and 0.00181; 1000 Genomes Project 0.00260; 1000 Genomes Project 30x 0.00281; TOPMed 0.00299.

Submission:

Illumina Laboratory Services, Illumina
Classification: Benign for Pseudohypoparathyroidism type 1B. Last evaluated: 2018-01-13. Review status: criteria provided, single submitter. Criteria: ICSL Variant Classification Criteria 13 December 2019. Collection method: clinical testing. Allele origin: germline.
Comment: This variant was observed in the ICSL laboratory as part of a predisposition screen in an ostensibly healthy population. It had not been previously curated by ICSL or reported in the Human Gene Mutation Database (HGMD: prior to June 1st, 2018), and was therefore a candidate for classification through an automated scoring system. Utilizing variant allele frequency, disease prevalence and penetrance estimates, and inheritance mode, an automated score was calculated to assess if this variant is too frequent to cause the disease. Based on the score and internal cut-off values, a variant classified as benign is not then subjected to further curation. The score for this variant resulted in a classification of benign for this disease.

NM_001001433.3(STX16):c.*2885C>T

Genes: STX16 (syntaxin 16; plus strand), STX16-NPEPL1 (STX16-NPEPL1 readthrough (NMD candidate); plus strand). Cytogenetic location: 20q13.32.
Variant type: single nucleotide variant.
Coding change: c.*2885C>T on transcript NM_001001433.3 (MANE Select); 2885 bases downstream of the stop codon, C replaced by T.
Molecular consequence: 3 prime UTR variant. On other transcripts: non-coding transcript variant (3).
Genome position (GRCh38, 1-based): chr20:58,679,176, C>T. VCF-style: chr20-58679176-C-T. GRCh37 (hg19) VCF-style: chr20-57254232-C-T.
Other names: c.*2885C>T (NM_001134772.3, NM_001134773.3, NM_001204868.2 and 1 more transcripts).
Identifiers: ClinVar variation 339108 (VCV000339108.5), dbSNP rs188362833, ClinGen allele CA10652725.